The following is an entry in ClinVar:

NM_003482.4(KMT2D):c.7594del (p.Ser2532fs)

Gene: KMT2D (lysine methyltransferase 2D; minus strand). Cytogenetic location: 12q13.12.
Variant type: Deletion.
Coding change: c.7594del on transcript NM_003482.4 (MANE Select); coding-DNA position 7594, one base deleted (T; older notation c.7594delT).
Protein change: p.Ser2532fs; shifts the reading frame from serine 2532.
Molecular consequence: frameshift variant.
Genome position (GRCh38, 1-based): chr12:49,040,176, A deleted on the plus strand (T on the coding strand, the reverse complement: KMT2D is on the minus strand). VCF-style (leftmost placement, unchanged base first): chr12-49040175-GA-G. GRCh37 (hg19) VCF-style: chr12-49433958-GA-G.
Other names: short protein forms S2532fs.
Identifiers: ClinVar variation 3033736 (VCV003033736.2), dbSNP rs2498395879, ClinGen allele CA2740092372.

ClinVar aggregate classification (germline): Pathogenic (0 of 4 stars; one submission).

Conditions:
KMT2D-related disorder. Also called: KMT2D-Related Disorders.

Submission:

PreventionGenetics, part of Exact Sciences
Classification: Pathogenic for KMT2D-related condition. Last evaluated: 2023-12-26. Review status: no assertion criteria provided. Collection method: clinical testing. Allele origin: germline.
Comment: The KMT2D c.7594delT variant is predicted to result in a frameshift and premature protein termination (p.Ser2532Leufs*11). To our knowledge, this variant has not been reported in the literature or in a large population database, indicating this variant is rare. Frameshift variants in KMT2D are expected to be pathogenic. This variant is interpreted as pathogenic.